The following is an entry in ClinVar:

NM_001384140.1(PCDH15):c.282T>C (p.Leu94=)

Gene: PCDH15 (protocadherin related 15; minus strand). Cytogenetic location: 10q21.1.
Variant type: single nucleotide variant.
Coding change: c.282T>C on transcript NM_001384140.1 (MANE Select); coding-DNA position 282, T replaced by C.
Protein change: p.Leu94=; no amino-acid change (leucine 94 retained).
Molecular consequence: synonymous variant.
Genome position (GRCh38, 1-based): chr10:54,378,818, A>G on the plus strand (T>C on the coding strand, the complement: PCDH15 is on the minus strand). VCF-style: chr10-54378818-A-G. GRCh37 (hg19) VCF-style: chr10-56138578-A-G.
Other names: c.297T>C, p.Leu99= (NM_001142763.2, NM_001142769.4, NM_001142771.2); c.282T>C, p.Leu94= (NM_001142764.2, NM_001142765.2, NM_001142766.2 and 8 more transcripts); c.216T>C, p.Leu72= (NM_001142768.2, NM_001142773.2, NM_001354404.2).
Identifiers: ClinVar variation 3075826 (VCV003075826.2), dbSNP rs1948817425, ClinGen allele CA469524374.

ClinVar aggregate classification (germline): Likely benign. Review status: criteria provided, multiple submitters, no conflicts (2 of 4 stars). 2 submissions from 2 submitters: Likely benign (2). Last evaluated 2025-02-22.

Allele frequency attached by ClinVar (database versions not stated): gnomAD exomes below 0.00001; TOPMed 0.00001.
gnomAD v4.1: 1 of 1,613,894 alleles (0.000062%); highest among the groups gnomAD compares: African/African-American, 0.0013%; no homozygotes.

Submissions (2):

Labcorp Genetics (formerly Invitae), Labcorp
Classification: Likely benign. Last evaluated: 2025-02-22. Review status: criteria provided, single submitter. Criteria: Invitae Variant Classification Sherloc (09022015). Collection method: clinical testing. Allele origin: germline.

Laboratory for Molecular Medicine, Mass General Brigham Personalized Medicine
Classification: Likely benign. Last evaluated: 2021-04-19. Review status: criteria provided, single submitter. Criteria: ACMG Guidelines, 2015. Collection method: clinical testing. Allele origin: germline.
Comment: The p.Leu94Leu variant in PCDH15 is classified as likely benign because it does not alter an amino acid residue, is not located within the splice consensus site, and computational splice prediction tools do not predict an impact on splicing. It was absent from large population studies. ACMG/AMP Criteria applied: BP4, BP7.